The following is an entry in ClinVar:

ClinVar aggregate classification (germline): Benign/Likely benign. Review status: criteria provided, multiple submitters, no conflicts (2 of 4 stars). 15 submissions from 14 submitters: Benign (4); Likely benign (6). 5 of the submissions do not count toward it. Last evaluated 2026-09-01.

Conditions:
ATR-related disorder. Also called: ATR-related condition.
Familial cutaneous telangiectasia and oropharyngeal predisposition cancer syndrome. Identifiers: Orphanet 313846, MedGen C3281203, MONDO:0013806, OMIM 614564.
Seckel syndrome 1 (SCKL1). Also called: MICROCEPHALIC PRIMORDIAL DWARFISM I. Identifiers: Orphanet 808, MedGen C4551474, MONDO:0008869, OMIM 210600.

Allele frequency attached by ClinVar (database versions not stated): 1000 Genomes Project 0.00200; 1000 Genomes Project 30x 0.00219; gnomAD exomes 0.00315 and 0.00563; ExAC 0.00330; gnomAD 0.00344 and 0.00349; TOPMed 0.00348; ESP Exome Variant Server 0.00523.
gnomAD v4.1: 8,698 of 1,613,910 alleles (0.54%); highest among the groups gnomAD compares: Non-Finnish European, 0.68%; 24 homozygotes.

Submissions (15):

CeGaT Center for Human Genetics Tuebingen
Classification: Likely benign. Last evaluated: 2026-09-01. Review status: criteria provided, single submitter. Criteria: CeGaT Center For Human Genetics Tuebingen Variant Classification Criteria Version 2. Collection method: clinical testing. Allele origin: germline. Affected: yes. Observed: 49 variant alleles.
Comment: ATR: BP4, BS2

Labcorp Genetics (formerly Invitae), Labcorp
Classification: Benign. Last evaluated: 2026-01-25. Review status: criteria provided, single submitter. Criteria: Invitae Variant Classification Sherloc (09022015). Collection method: clinical testing. Allele origin: germline.

Blueprint Genetics
Classification: Likely benign. Last evaluated: 2024-11-25. Review status: criteria provided, single submitter. Criteria: ACMG Guidelines, 2015. Collection method: clinical testing. Allele origin: germline.

Genome-Nilou Lab
Classification: Benign for Seckel syndrome 1. Last evaluated: 2023-02-08. Review status: criteria provided, single submitter. Criteria: ACMG Guidelines, 2015. Collection method: clinical testing. Allele origin: germline.

Genome-Nilou Lab
Classification: Benign for Familial cutaneous telangiectasia and oropharyngeal predisposition cancer syndrome. Last evaluated: 2023-02-08. Review status: criteria provided, single submitter. Criteria: ACMG Guidelines, 2015. Collection method: clinical testing. Allele origin: germline.

GeneDx
Classification: Benign. Last evaluated: 2020-12-22. Review status: criteria provided, single submitter. Criteria: GeneDx Variant Classification Process June 2021. Collection method: clinical testing. Allele origin: germline. Affected: yes.
Comment: This variant is associated with the following publications: (PMID: 15987455, 17010193, 28787443)

Illumina Laboratory Services, Illumina
Classification: Likely benign for Seckel syndrome 1. Last evaluated: 2017-04-27. Review status: criteria provided, single submitter. Criteria: ICSL Variant Classification Criteria 13 December 2019. Collection method: clinical testing. Allele origin: germline.
Comment: This variant was observed as part of a predisposition screen in an ostensibly healthy population. A literature search was performed for the gene, cDNA change, and amino acid change (where applicable). No publications were found based on this search. Allele frequency data from public databases allowed determination this variant is unlikely to cause disease. Therefore, this variant is classified as likely benign.

Genetic Services Laboratory, University of Chicago
Classification: Likely benign. Last evaluated: 2016-01-15. Review status: criteria provided, single submitter. Criteria: ACMG Guidelines, 2015. Collection method: clinical testing. Allele origin: germline. Affected: no.

Center for Pediatric Genomic Medicine, Children's Mercy Hospital and Clinics
Classification: Likely benign. Last evaluated: 2015-12-23. Review status: criteria provided, single submitter. Criteria: ACMG Guidelines, 2015. Collection method: clinical testing. Allele origin: germline.
ClinVar note: Converted during submission from Likely Benign to Likely benign.

Breakthrough Genomics
Classification: Likely benign. Review status: criteria provided, single submitter. Criteria: ACMG Guidelines, 2015. Collection method: not provided. Allele origin: germline. Inheritance: Autosomal recessive inheritance. Affected: yes.

PreventionGenetics, part of Exact Sciences
Classification: Likely benign for ATR-related condition. Last evaluated: 2020-02-28. Review status: no assertion criteria provided. Collection method: clinical testing. Allele origin: germline. Not counted in ClinVar's aggregate classification.
Comment: This variant is classified as likely benign based on ACMG/AMP sequence variant interpretation guidelines (Richards et al. 2015 PMID: 25741868, with internal and published modifications).

Clinical Genetics DNA and cytogenetics Diagnostics Lab, Erasmus MC, Erasmus Medical Center
Classification: Likely benign. Review status: no assertion criteria provided. Collection method: clinical testing. Allele origin: germline. Affected: yes. Study: VKGL Data-share Consensus. Not counted in ClinVar's aggregate classification.

Diagnostic Laboratory, Department of Genetics, University Medical Center Groningen
Classification: Likely benign. Review status: no assertion criteria provided. Collection method: clinical testing. Allele origin: germline. Affected: yes. Study: VKGL Data-share Consensus. Not counted in ClinVar's aggregate classification.

Genome Diagnostics Laboratory, University Medical Center Utrecht
Classification: Likely benign. Review status: no assertion criteria provided. Collection method: clinical testing. Allele origin: germline. Affected: yes. Study: VKGL Data-share Consensus. Not counted in ClinVar's aggregate classification.

Laboratory of Diagnostic Genome Analysis, Leiden University Medical Center (LUMC)
Classification: Likely benign. Review status: no assertion criteria provided. Collection method: clinical testing. Allele origin: germline. Affected: yes. Study: VKGL Data-share Consensus. Not counted in ClinVar's aggregate classification.

NM_001184.4(ATR):c.6394T>G (p.Tyr2132Asp)

Gene: ATR (ATR checkpoint kinase; minus strand). Cytogenetic location: 3q23.
Variant type: single nucleotide variant.
Coding change: c.6394T>G on transcript NM_001184.4 (MANE Select); coding-DNA position 6394, T replaced by G.
Protein change: p.Tyr2132Asp; replaces tyrosine 2132 with aspartic acid.
Molecular consequence: missense variant.
Genome position (GRCh38, 1-based): chr3:142,469,495, A>C on the plus strand (T>G on the coding strand, the complement: ATR is on the minus strand). VCF-style: chr3-142469495-A-C. GRCh37 (hg19) VCF-style: chr3-142188337-A-C.
Other names: c.6202T>G, p.Tyr2068Asp (NM_001354579.2); short protein forms Y2132D, Y2068D.
Identifiers: ClinVar variation 158000 (VCV000158000.70), dbSNP rs28910273, ClinGen allele CA345990.